The following is an entry in ClinVar:

NM_001080477.4(TENM3):c.4783T>C (p.Leu1595=)

Gene: TENM3 (teneurin transmembrane protein 3; plus strand). Cytogenetic location: 4q35.1.
Variant type: single nucleotide variant.
Coding change: c.4783T>C on transcript NM_001080477.4 (MANE Select); coding-DNA position 4783, T replaced by C.
Protein change: p.Leu1595=; no amino-acid change (leucine 1595 retained).
Molecular consequence: synonymous variant.
Genome position (GRCh38, 1-based): chr4:182,755,150, T>C. VCF-style: chr4-182755150-T-C. GRCh37 (hg19) VCF-style: chr4-183676303-T-C.
Other names: c.4015T>C, p.Leu1339= (NM_001415960.1); c.3988T>C, p.Leu1330= (NM_001415961.1); c.3985T>C, p.Leu1329= (NM_001415962.1); c.3967T>C, p.Leu1323= (NM_001415963.1); c.3964T>C, p.Leu1322= (NM_001415964.1); c.4501T>C, p.Leu1501= (NM_001415966.1); c.4525T>C, p.Leu1509= (NM_001415967.1); c.4801T>C, p.Leu1601= (NM_001415968.1); and 4 more.
Identifiers: ClinVar variation 3034079 (VCV003034079.2), dbSNP rs370419027, ClinGen allele CA3148478.

ClinVar aggregate classification (germline): Likely benign (0 of 4 stars; one submission).

Conditions:
TENM3-related disorder. Also called: TENM3-related condition.

Allele frequency attached by ClinVar (database versions not stated): gnomAD exomes 0.00003; ExAC 0.00014; TOPMed 0.00040; gnomAD 0.00042; 1000 Genomes Project 30x 0.00047; ESP Exome Variant Server 0.00049; 1000 Genomes Project 0.00060.
gnomAD v4.1: 120 of 1,613,992 alleles (0.0074%); highest among the groups gnomAD compares: African/African-American, 0.14%; no homozygotes.

Submission:

PreventionGenetics, part of Exact Sciences
Classification: Likely benign for TENM3-related condition. Last evaluated: 2019-06-10. Review status: no assertion criteria provided. Collection method: clinical testing. Allele origin: germline.
Comment: This variant is classified as likely benign based on ACMG/AMP sequence variant interpretation guidelines (Richards et al. 2015 PMID: 25741868, with internal and published modifications).